The following is an entry in ClinVar:

NM_001101362.3(KBTBD13):c.358G>C (p.Asp120His)

Gene: KBTBD13 (kelch repeat and BTB domain containing 13; plus strand). Cytogenetic location: 15q22.31.
Variant type: single nucleotide variant.
Coding change: c.358G>C on transcript NM_001101362.3 (MANE Select); coding-DNA position 358, G replaced by C.
Protein change: p.Asp120His; replaces aspartic acid 120 with histidine.
Molecular consequence: missense variant.
Genome position (GRCh38, 1-based): chr15:65,077,173, G>C. VCF-style: chr15-65077173-G-C. GRCh37 (hg19) VCF-style: chr15-65369511-G-C.
Other names: short protein forms D120H.
Identifiers: ClinVar variation 1314384 (VCV001314384.2), dbSNP rs1403660333, ClinGen allele CA392860105.

ClinVar aggregate classification (germline): Uncertain significance (1 of 4 stars; one submission).

Submission:

GeneDx
Classification: Uncertain significance. Last evaluated: 2021-04-09. Review status: criteria provided, single submitter. Criteria: GeneDx Variant Classification Process June 2021. Collection method: clinical testing. Allele origin: germline. Affected: yes.
Comment: Not observed in large population cohorts (Lek et al., 2016); In silico analysis supports that this missense variant has a deleterious effect on protein structure/function; Has not been previously published as pathogenic or benign to our knowledge